The following is an entry in ClinVar:

ClinVar aggregate classification (germline): Conflicting classifications of pathogenicity. Review status: criteria provided, conflicting classifications (1 of 4 stars). 8 submissions from 8 submitters: Uncertain significance (7); Likely benign (1). Last evaluated 2025-11-05.

Conditions:
Hereditary cancer-predisposing syndrome. Also called: Neoplastic Syndromes, Hereditary; Tumor predisposition; Hereditary Cancer Syndrome; Hereditary neoplastic syndrome. Identifiers: Orphanet 140162, MedGen C0027672, MeSH D009386, MONDO:0015356.
Endometrial carcinoma. Also called: Endometrial carcinoma, somatic. Identifiers: MedGen C0476089, MONDO:0002447, OMIM 608089, HP:0012114.
Hereditary nonpolyposis colorectal neoplasms. Identifiers: MedGen C0009405, MeSH D003123.
Lynch syndrome. Identifiers: Orphanet 144, MedGen C4552100, MONDO:0005835. Disease mechanism: loss of function.

Allele frequency attached by ClinVar (database versions not stated): gnomAD exomes below 0.00001; gnomAD 0.00002 and 0.00003; TOPMed 0.00004.
gnomAD v4.1: 5 of 1,613,884 alleles (0.00031%); highest among the groups gnomAD compares: Admixed American, 0.0067%; no homozygotes.

Submissions (8):

Labcorp Genetics (formerly Invitae), Labcorp
Classification: Likely benign for Hereditary nonpolyposis colorectal neoplasms. Last evaluated: 2025-11-05. Review status: criteria provided, single submitter. Criteria: Invitae Variant Classification Sherloc (09022015). Collection method: clinical testing. Allele origin: germline.

Ambry Genetics
Classification: Uncertain significance for Hereditary cancer-predisposing syndrome. Last evaluated: 2025-08-25. Review status: criteria provided, single submitter. Criteria: Ambry Variant Classification Scheme 2023. Collection method: clinical testing. Allele origin: germline.
Comment: The p.T1282N variant (also known as c.3845C>A), located in coding exon 9 of the MSH6 gene, results from a C to A substitution at nucleotide position 3845. The threonine at codon 1282 is replaced by asparagine, an amino acid with similar properties. This amino acid position is highly conserved in available vertebrate species. In addition, the in silico prediction for this alteration is inconclusive. Since supporting evidence is limited at this time, the clinical significance of this alteration remains unclear.

All of Us Research Program, National Institutes of Health
Classification: Uncertain significance for Lynch syndrome. Last evaluated: 2024-06-11. Review status: criteria provided, single submitter. Criteria: ACMG Guidelines, 2015. Collection method: clinical testing. Allele origin: germline. Inheritance: Autosomal dominant inheritance. Observed: 1 variant allele, 1 heterozygote.
Comment: This study involves interpretation of variants in research participants for the purpose of population health screening. Participant phenotype was not available at the time of variant classification. Additional details can be found in publication PMID: 35346344, PMCID: PMC8962531

Baylor Genetics
Classification: Uncertain significance for Endometrial carcinoma. Last evaluated: 2024-02-18. Review status: criteria provided, single submitter. Criteria: ACMG Guidelines, 2015. Collection method: clinical testing. Allele origin: unknown.

GeneDx
Classification: Uncertain significance. Last evaluated: 2021-12-28. Review status: criteria provided, single submitter. Criteria: GeneDx Variant Classification Process June 2021. Collection method: clinical testing. Allele origin: germline. Affected: yes.
Comment: Not observed at significant frequency in large population cohorts (Lek 2016); In silico analysis supports that this missense variant does not alter protein structure/function; Has not been previously published as pathogenic or benign to our knowledge; This variant is associated with the following publications: (PMID: 17531815, 21120944)

Color Diagnostics, LLC DBA Color Health
Classification: Uncertain significance for Hereditary cancer-predisposing syndrome. Last evaluated: 2019-03-18. Review status: criteria provided, single submitter. Criteria: ACMG Guidelines, 2015. Collection method: clinical testing. Allele origin: germline.

Women's Health and Genetics/Laboratory Corporation of America, LabCorp
Classification: Uncertain significance. Last evaluated: 2017-06-23. Review status: criteria provided, single submitter. Criteria: LabCorp Variant Classification Summary - May 2015. Collection method: clinical testing. Allele origin: germline.
Comment: Variant summary: The MSH6 c.3845C>A (p.Thr1282Asn) variant involves the alteration of a conserved nucleotide. 2/4 in silico tools predict a benign outcome for this variant (SNPsandGO not captured due to low reliability index). This variant is absent in 120858 control chromosomes. In addition, multiple clinical diagnostic laboratories/reputable databases classified this variant as uncertain significance. The variant of interest has not, to our knowledge, been reported in affected individuals via publications; nor evaluated for functional impact by in vivo/vitro studies. Because of the absence of clinical information and the lack of functional studies, the variant is classified as a variant of uncertain significance (VUS) until additional information becomes available.

Quest Diagnostics Nichols Institute San Juan Capistrano
Classification: Uncertain significance. Last evaluated: 2017-04-24. Review status: criteria provided, single submitter. Criteria: Quest Diagnostics criteria. Collection method: clinical testing. Allele origin: germline.

NM_000179.3(MSH6):c.3845C>A (p.Thr1282Asn)

Gene: MSH6 (mutS homolog 6; plus strand). Cytogenetic location: 2p16.3.
Variant type: single nucleotide variant.
Coding change: c.3845C>A on transcript NM_000179.3 (MANE Select); coding-DNA position 3845, C replaced by A.
Protein change: p.Thr1282Asn; replaces threonine 1282 with asparagine.
Molecular consequence: missense variant.
Genome position (GRCh38, 1-based): chr2:47,806,495, C>A. VCF-style: chr2-47806495-C-A. GRCh37 (hg19) VCF-style: chr2-48033634-C-A.
Other names: c.3455C>A, p.Thr1152Asn (NM_001281492.2); c.2939C>A, p.Thr980Asn (NM_001281493.2, NM_001281494.2); short protein forms T1282N, T1152N, T980N.
Identifiers: ClinVar variation 233369 (VCV000233369.28), dbSNP rs876660361, ClinGen allele CA10578165.